The following is an entry in ClinVar:

ClinVar aggregate classification (germline): Conflicting classifications of pathogenicity. Review status: criteria provided, conflicting classifications (1 of 4 stars). 3 submissions from 3 submitters: Uncertain significance (1); Likely benign (2). Last evaluated 2024-01-11.

Conditions:
RYR1-related disorder. Also called: RYR1-related disorders; RYR1-related condition. Identifiers: MedGen CN239331.
Malignant hyperthermia, susceptibility to, 1 (MHS1). Also called: Malignant hyperthermia suceptibility 1; Anesthesia related hyperthermia; Malignant hyperpyrexia; Fulminating hyperpyrexia; Pharmacogenic myopathy; RYR1-Related Malignant Hyperthermia Susceptibility. Identifiers: Orphanet 423, MedGen C2930980, MONDO:0007783, OMIM 145600.

Allele frequency attached by ClinVar (database versions not stated): gnomAD 0.00001; TOPMed 0.00002; gnomAD exomes 0.00003; ESP Exome Variant Server 0.00008.
gnomAD v4.1: 45 of 1,561,158 alleles (0.0029%); highest among the groups gnomAD compares: African/African-American, 0.0054%; no homozygotes.

Submissions (3):

All of Us Research Program, National Institutes of Health
Classification: Uncertain significance for Malignant hyperthermia, susceptibility to, 1. Last evaluated: 2024-01-11. Review status: criteria provided, single submitter. Criteria: ACMG Guidelines, 2015. Collection method: clinical testing. Allele origin: germline. Inheritance: Autosomal dominant inheritance. Observed: 4 variant alleles, 4 heterozygotes.
Comment: This variant causes a C to G nucleotide substitution at the -14 position of intron 32 of the RYR1 gene. To our knowledge, functional studies have not been reported for this variant. This variant has not been reported in individuals affected with RYR1-related disorders in the literature. This variant has been identified in 1/167412 chromosomes in the general population by the Genome Aggregation Database (gnomAD). The available evidence is insufficient to determine the role of this variant in disease conclusively. Therefore, this variant is classified as a Variant of Uncertain Significance.

This study involves interpretation of variants in research participants for the purpose of population health screening. Participant phenotype was not available at the time of variant classification. Additional details can be found in publication PMID: 35346344, PMCID: PMC8962531

Labcorp Genetics (formerly Invitae), Labcorp
Classification: Likely benign for RYR1-related disorder. Last evaluated: 2023-11-03. Review status: criteria provided, single submitter. Criteria: Invitae Variant Classification Sherloc (09022015). Collection method: clinical testing. Allele origin: germline.

Blueprint Genetics
Classification: Likely benign. Last evaluated: 2022-08-24. Review status: criteria provided, single submitter. Criteria: ACMG Guidelines, 2015. Collection method: clinical testing. Allele origin: germline.

NM_000540.3(RYR1):c.4708-14C>G

Gene: RYR1 (ryanodine receptor 1; plus strand). Cytogenetic location: 19q13.2.
Variant type: single nucleotide variant.
Coding change: c.4708-14C>G on transcript NM_000540.3 (MANE Select); 14 bases into the intron before coding-DNA position 4708, C replaced by G.
Molecular consequence: intron variant.
Genome position (GRCh38, 1-based): chr19:38,483,276, C>G. VCF-style: chr19-38483276-C-G. GRCh37 (hg19) VCF-style: chr19-38973916-C-G.
Other names: c.4708-14C>G (NM_001042723.2).
Identifiers: ClinVar variation 2716965 (VCV002716965.5), dbSNP rs371783666, ClinGen allele CA308090379.
Genomic context (GRCh38, chr19:38,483,276, plus strand): 5'-GGTCTCCCTGGAAGTGGTGTGGTGGGACAGAGGGGGCTGGCCATCTTGACCCATGTGTGT[C>G]TCTCTGCCCTCAGAACATCATGCCGTTGTCAGCCGCCATGTTCCAAAGCGAGCGCAAGAA-3'